The following is an entry in ClinVar:

NM_001379200.1(TBX1):c.421G>A (p.Val141Ile)

Gene: TBX1 (T-box transcription factor 1; plus strand). Cytogenetic location: 22q11.21.
Variant type: single nucleotide variant.
Coding change: c.421G>A on transcript NM_001379200.1 (MANE Select); coding-DNA position 421, G replaced by A.
Protein change: p.Val141Ile; replaces valine 141 with isoleucine.
Molecular consequence: missense variant.
Genome position (GRCh38, 1-based): chr22:19,761,264, G>A. VCF-style: chr22-19761264-G-A. GRCh37 (hg19) VCF-style: chr22-19748787-G-A.
Other names: c.394G>A, p.Val132Ile (NM_005992.1, NM_080646.2, NM_080647.1); short protein forms V141I, V132I.
Identifiers: ClinVar variation 4983486 (VCV004983486.1).

ClinVar aggregate classification (germline): Uncertain significance (1 of 4 stars; one submission).

Conditions:
TBX1-related disorder. Also called: TBX1-Related Disorders; TBX1-related condition.

gnomAD v4.1: 5 of 1,561,878 alleles (0.00032%); highest among the groups gnomAD compares: South Asian, 0.0011%; no homozygotes.

Submission:

PreventionGenetics, part of Exact Sciences
Classification: Uncertain significance for TBX1-related condition. Last evaluated: 2025-02-27. Review status: criteria provided, single submitter. Criteria: ACMG Guidelines, 2015. Collection method: clinical testing. Allele origin: germline.
Comment: The TBX1 c.394G>A variant is predicted to result in the amino acid substitution p.Val132Ile. To our knowledge, this variant has not been reported in the literature. This variant is reported in 0.0081% of alleles in individuals of African descent in gnomAD. At this time, the clinical significance of this variant is uncertain due to the absence of conclusive functional and genetic evidence.